The following is an entry in ClinVar:

ClinVar aggregate classification (germline): Uncertain significance (1 of 4 stars; one submission).

Conditions:
Hereditary cancer-predisposing syndrome. Also called: Neoplastic Syndromes, Hereditary; Tumor predisposition; Hereditary neoplastic syndrome; Hereditary Cancer Syndrome. Identifiers: Orphanet 140162, MedGen C0027672, MeSH D009386, MONDO:0015356.

Submission:

Ambry Genetics
Classification: Uncertain significance for Hereditary cancer-predisposing syndrome. Last evaluated: 2024-03-08. Review status: criteria provided, single submitter. Criteria: Ambry Variant Classification Scheme 2023. Collection method: clinical testing. Allele origin: germline.
Comment: The p.Q417H variant (also known as c.1251G>C), located in coding exon 11 of the TSC2 gene, results from a G to C substitution at nucleotide position 1251. The glutamine at codon 417 is replaced by histidine, an amino acid with highly similar properties. This amino acid position is conserved. In addition, the in silico prediction for this alteration is inconclusive. Based on the available evidence, the clinical significance of this alteration remains unclear.

NM_000548.5(TSC2):c.1251G>C (p.Gln417His)

Gene: TSC2 (TSC complex subunit 2; plus strand). Cytogenetic location: 16p13.3.
Variant type: single nucleotide variant.
Coding change: c.1251G>C on transcript NM_000548.5 (MANE Select); coding-DNA position 1251, G replaced by C.
Protein change: p.Gln417His; replaces glutamine 417 with histidine.
Molecular consequence: missense variant. On other transcripts: 5 prime UTR variant (10), non-coding transcript variant (5).
Genome position (GRCh38, 1-based): chr16:2,062,002, G>C. VCF-style: chr16-2062002-G-C. GRCh37 (hg19) VCF-style: chr16-2112003-G-C.
Other names: c.1251G>C, p.Gln417His (NM_001077183.3, NM_001114382.3, NM_001363528.2 and 6 more transcripts); c.1140G>C, p.Gln380His (NM_001318827.2, NM_001406670.1, NM_001406678.1); c.1104G>C, p.Gln368His (NM_001318829.2, NM_001406675.1, NM_001406676.1 and 1 more transcripts); c.651G>C, p.Gln217His (NM_001318831.2, NM_001406680.1, NM_001406682.1 and 6 more transcripts); c.1284G>C, p.Gln428His (NM_001318832.2); c.1341G>C, p.Gln447His (NM_001406667.1, NM_001406668.1); c.1239G>C, p.Gln413His (NM_001406671.1, NM_001406673.1); c.1194G>C, p.Gln398His (NM_001406677.1); and 4 more; short protein forms Q217H, Q263H, Q368H, Q380H, Q398H, Q413H, Q417H, Q428H.
Identifiers: ClinVar variation 3232075 (VCV003232075.1), dbSNP rs2548538815, ClinGen allele CA394321496.